The following is an entry in ClinVar:

ClinVar aggregate classification (germline): Uncertain significance (1 of 4 stars; one submission).

Conditions:
Cholestanol storage disease (CTX). Also called: CEREBRAL CHOLESTERINOSIS; CTX: Cerebrotendinous xanthomatosis; Cerebrotendinous Xanthomatosis. Identifiers: Orphanet 909, MedGen C0238052, MONDO:0008948, OMIM 213700.

Allele frequency attached by ClinVar (database versions not stated): gnomAD exomes 0.00001; ESP Exome Variant Server 0.00008.
gnomAD v4.1: 10 of 1,614,134 alleles (0.00062%); highest among the groups gnomAD compares: East Asian, 0.0022%; no homozygotes.

Submission:

Labcorp Genetics (formerly Invitae), Labcorp
Classification: Uncertain significance for Cholestanol storage disease. Last evaluated: 2022-07-01. Review status: criteria provided, single submitter. Criteria: Invitae Variant Classification Sherloc (09022015). Collection method: clinical testing. Allele origin: germline.
Comment: This sequence change replaces valine, which is neutral and non-polar, with methionine, which is neutral and non-polar, at codon 106 of the CYP27A1 protein (p.Val106Met). This variant is not present in population databases (gnomAD no frequency). This variant has not been reported in the literature in individuals affected with CYP27A1-related conditions. ClinVar contains an entry for this variant (Variation ID: 1359997). Algorithms developed to predict the effect of missense changes on protein structure and function are either unavailable or do not agree on the potential impact of this missense change (SIFT: "Deleterious"; PolyPhen-2: "Probably Damaging"; Align-GVGD: "Class C0"). In summary, the available evidence is currently insufficient to determine the role of this variant in disease. Therefore, it has been classified as a Variant of Uncertain Significance.

NM_000784.4(CYP27A1):c.316G>A (p.Val106Met)

Gene: CYP27A1 (cytochrome P450 family 27 subfamily A member 1; plus strand). Cytogenetic location: 2q35.
Variant type: single nucleotide variant.
Coding change: c.316G>A on transcript NM_000784.4 (MANE Select); coding-DNA position 316, G replaced by A.
Protein change: p.Val106Met; replaces valine 106 with methionine.
Molecular consequence: missense variant.
Genome position (GRCh38, 1-based): chr2:218,809,637, G>A. VCF-style: chr2-218809637-G-A. GRCh37 (hg19) VCF-style: chr2-219674360-G-A.
Other names: short protein forms V106M.
Identifiers: ClinVar variation 1359997 (VCV001359997.5), dbSNP rs374769409, ClinGen allele CA65830364.